The following is an entry in ClinVar:

NM_007194.4(CHEK2):c.335A>G (p.Asn112Ser)

Gene: CHEK2 (checkpoint kinase 2; minus strand). Cytogenetic location: 22q12.1.
Variant type: single nucleotide variant.
Coding change: c.335A>G on transcript NM_007194.4 (MANE Select); coding-DNA position 335, A replaced by G.
Protein change: p.Asn112Ser; replaces asparagine 112 with serine.
Molecular consequence: missense variant.
Genome position (GRCh38, 1-based): chr22:28,725,352, T>C on the plus strand (A>G on the coding strand, the complement: CHEK2 is on the minus strand). VCF-style: chr22-28725352-T-C. GRCh37 (hg19) VCF-style: chr22-29121340-T-C.
Other names: c.-443A>G (NM_001257387.3); c.335A>G, p.Asn112Ser (NM_001349956.3, NM_145862.3); c.464A>G, p.Asn155Ser (NM_001005735.3); short protein forms N112S, N155S.
Identifiers: ClinVar variation 234002 (VCV000234002.28), dbSNP rs876660788, ClinGen allele CA10581103.

ClinVar aggregate classification (germline): Conflicting classifications of pathogenicity. Review status: criteria provided, conflicting classifications (1 of 4 stars). 10 submissions from 10 submitters: Uncertain significance (8); Likely benign (1). 1 of the submissions does not count toward it. Last evaluated 2026-02-19.

Conditions:
CHEK2-related disorder.
Hereditary cancer-predisposing syndrome. Also called: Neoplastic Syndromes, Hereditary; Hereditary neoplastic syndrome; Hereditary Cancer Syndrome; Tumor predisposition. Identifiers: Orphanet 140162, MedGen C0027672, MeSH D009386, MONDO:0015356.
Familial cancer of breast. Also called: BREAST CANCER, FAMILIAL; Hereditary breast cancer; hereditary breast carcinoma. Identifiers: Orphanet 227535, MedGen C0346153, MONDO:0016419, OMIM 114480. Disease mechanism: loss of function.

Allele frequency attached by ClinVar (database versions not stated): gnomAD 0.00001; gnomAD exomes 0.00001; TOPMed 0.00001.
gnomAD v4.1: 13 of 1,614,004 alleles (0.00081%); highest among the groups gnomAD compares: Non-Finnish European, 0.001%; no homozygotes.

Submissions (10):

PreventionGenetics, part of Exact Sciences
Classification: Uncertain significance for CHEK2-related condition. Last evaluated: 2026-02-19. Review status: criteria provided, single submitter. Criteria: ACMG Guidelines, 2015. Collection method: clinical testing. Allele origin: germline.
Comment: The CHEK2 c.335A>G variant is predicted to result in the amino acid substitution p.Asn112Ser. This variant was reported in an individual with hereditary cancer (Table S1, Vargas-Parra et al. 2020. PubMed ID: 32906215). This variant was also reported in three individuals with breast cancer and in two controls (Table S1, Stolarova et al. 2023. PubMed ID: 37449874). This variant is reported in 0.0018% of alleles in individuals of European (Non-Finnish) descent in gnomAD and has conflicting interpretations of pathogenicity in ClinVar of uncertain and likely benign (Variation ID: 234002). At this time, the clinical significance of this variant is uncertain due to the absence of conclusive functional and genetic evidence.

Labcorp Genetics (formerly Invitae), Labcorp
Classification: Uncertain significance for Familial cancer of breast. Last evaluated: 2026-01-21. Review status: criteria provided, single submitter. Criteria: Invitae Variant Classification Sherloc (09022015). Collection method: clinical testing. Allele origin: germline.
Comment: This sequence change replaces asparagine, which is neutral and polar, with serine, which is neutral and polar, at codon 112 of the CHEK2 protein (p.Asn112Ser). This variant is present in population databases (no rsID available, gnomAD 0.002%). This missense change has been observed in individual(s) with CHEK2-related conditions (PMID: 37449874). ClinVar contains an entry for this variant (Variation ID: 234002). An algorithm developed to predict the effect of missense changes on protein structure and function outputs the following: PolyPhen-2: "Benign". The serine amino acid residue is found in multiple mammalian species, which suggests that this missense change does not adversely affect protein function. Experimental studies have shown that this missense change does not substantially affect CHEK2 function (PMID: 37449874). RNA analysis performed to evaluate the impact of this missense change on mRNA splicing indicates it does not significantly alter splicing (internal data). In summary, the available evidence is currently insufficient to determine the role of this variant in disease. Therefore, it has been classified as a Variant of Uncertain Significance.

Color Diagnostics, LLC DBA Color Health
Classification: Uncertain significance for Hereditary cancer-predisposing syndrome. Last evaluated: 2025-07-30. Review status: criteria provided, single submitter. Criteria: ACMG Guidelines, 2015. Collection method: clinical testing. Allele origin: germline.
Comment: This missense variant replaces asparagine with serine at codon 112 of the CHEK2 protein. Computational prediction suggests that this variant may not impact protein structure and function. To our knowledge, functional studies have not been reported for this variant. This variant has not been reported in individuals affected with CHEK2-related disorders in the literature. This variant has been identified in 2/251160 chromosomes in the general population by the Genome Aggregation Database (gnomAD). The available evidence is insufficient to determine the role of this variant in disease conclusively. Therefore, this variant is classified as a Variant of Uncertain Significance.

Women's Health and Genetics/Laboratory Corporation of America, LabCorp
Classification: Uncertain significance. Last evaluated: 2023-05-12. Review status: criteria provided, single submitter. Criteria: LabCorp Variant Classification Summary - May 2015. Collection method: clinical testing. Allele origin: germline.
Comment: Variant summary: CHEK2 c.335A>G (p.Asn112Ser) results in a conservative amino acid change located in the forkhead-associated (FHA) domain (IPR000253) of the encoded protein sequence. Five of five in-silico tools predict a benign effect of the variant on protein function. The variant allele was found at a frequency of 8e-06 in 251160 control chromosomes (gnomAD). The available data on variant occurrences in the general population are insufficient to allow any conclusion about variant significance. c.335A>G has been reported in the literature in an individual suspected of hereditary cancer (Vargas-Parra_2020). This report does not provide unequivocal conclusions about association of the variant with Li-Fraumeni Syndrome. To our knowledge, no experimental evidence demonstrating an impact on protein function has been reported. The following publication has been ascertained in the context of this evaluation (PMID: 32906215). Seven clinical diagnostic laboratories have submitted clinical-significance assessments for this variant to ClinVar after 2014 and classified the variant as VUS (n=6) and likely benign (n=1). Based on the evidence outlined above, the variant was classified as uncertain significance.

Myriad Genetics, Inc.
Classification: Uncertain significance for Familial cancer of breast. Last evaluated: 2023-03-08. Review status: criteria provided, single submitter. Criteria: Myriad Autosomal Dominant, Autosomal Recessive and X-Linked Classification Criteria (2023). Collection method: clinical testing. Allele origin: unknown.
Comment: This variant is classified as a variant of uncertain significance as there is insufficient evidence to determine its impact on protein function and/or cancer risk.

Institute for Clinical Genetics, University Hospital TU Dresden, University Hospital TU Dresden
Classification: Uncertain significance. Last evaluated: 2021-11-03. Review status: criteria provided, single submitter. Criteria: ACMG Guidelines, 2015. Collection method: clinical testing. Allele origin: germline.

GeneDx
Classification: Uncertain significance. Last evaluated: 2020-09-08. Review status: criteria provided, single submitter. Criteria: GeneDx Variant Classification Process June 2021. Collection method: clinical testing. Allele origin: germline. Affected: yes.
Comment: Not observed at a significant frequency in large population cohorts (Lek 2016); In silico analysis, which includes protein predictors and evolutionary conservation, supports that this variant does not alter protein structure/function; Has not been previously published as pathogenic or benign to our knowledge; This variant is associated with the following publications: (PMID: 32906215)

Quest Diagnostics Nichols Institute San Juan Capistrano
Classification: Uncertain significance. Last evaluated: 2018-06-13. Review status: criteria provided, single submitter. Criteria: Quest Diagnostics criteria. Collection method: clinical testing. Allele origin: germline.

Ambry Genetics
Classification: Likely benign for Hereditary cancer-predisposing syndrome. Last evaluated: 2018-05-31. Review status: criteria provided, single submitter. Criteria: Ambry Variant Classification Scheme 2023. Collection method: clinical testing. Allele origin: germline.

Counsyl
Classification: Uncertain significance for Familial cancer of breast. Last evaluated: 2017-09-12. Review status: no assertion criteria provided. Collection method: clinical testing. Allele origin: unknown. Not counted in ClinVar's aggregate classification.

Literature cited by the submitters: PubMed 37449874 (cited by Labcorp Genetics (formerly Invitae), Labcorp); PubMed 32906215 (cited by Women's Health and Genetics/Laboratory Corporation of America, LabCorp).